The following is an entry in ClinVar:

ClinVar aggregate classification (germline): Conflicting classifications of pathogenicity. Review status: criteria provided, conflicting classifications (1 of 4 stars). 2 submissions from 2 submitters: Likely pathogenic (1); Uncertain significance (1). Last evaluated 2025-02-12.

Conditions:
Cardiovascular phenotype. Identifiers: MedGen CN230736.
DK1-congenital disorder of glycosylation. Also called: DK1-CDG; DK1 DEFICIENCY; DOLICHOL KINASE DEFICIENCY; CONGENITAL DISORDER OF GLYCOSYLATION, TYPE Im; CDG Im; DOLK-congenital disorder of glycosylation. Identifiers: Orphanet 91131, MedGen C1835849, MONDO:0012556, OMIM 610768.

Submissions (2):

Ambry Genetics
Classification: Likely pathogenic for Cardiovascular phenotype. Last evaluated: 2025-02-12. Review status: criteria provided, single submitter. Criteria: Ambry Variant Classification Scheme 2023. Collection method: clinical testing. Allele origin: germline.
Comment: The c.1275delC variant, located in coding exon 1 of the DOLK gene, results from a deletion of one nucleotide at nucleotide position 1275, causing a translational frameshift with a predicted alternate stop codon (p.C426Afs*52). This alteration occurs at the 3' terminus of theDOLK gene, is not expected to trigger nonsense-mediated mRNA decay, and impacts the last 21% of the protein. However, premature stop codons are typically deleterious in nature and the impacted region is critical for protein function (Ambry internal data). This variant is considered to be rare based on population cohorts in the Genome Aggregation Database (gnomAD). Based on the majority of available evidence to date, this variant is likely to be pathogenic.

Labcorp Genetics (formerly Invitae), Labcorp
Classification: Uncertain significance for DK1-congenital disorder of glycosylation. Last evaluated: 2024-06-03. Review status: criteria provided, single submitter. Criteria: Invitae Variant Classification Sherloc (09022015). Collection method: clinical testing. Allele origin: germline.
Comment: This sequence change creates a premature translational stop signal (p.Cys426Alafs*52) in the DOLK gene. While this is not anticipated to result in nonsense mediated decay, it is expected to disrupt the last 113 amino acid(s) of the DOLK protein. This variant is present in population databases (no rsID available, gnomAD 0.0009%). This variant has not been reported in the literature in individuals affected with DOLK-related conditions. ClinVar contains an entry for this variant (Variation ID: 1043355). Experimental studies and prediction algorithms are not available or were not evaluated, and the functional significance of this variant is currently unknown. In summary, the available evidence is currently insufficient to determine the role of this variant in disease. Therefore, it has been classified as a Variant of Uncertain Significance.

NM_014908.4(DOLK):c.1275del (p.Cys426fs)

Gene: DOLK (dolichol kinase; minus strand). Cytogenetic location: 9q34.11.
Variant type: Deletion.
Coding change: c.1275del on transcript NM_014908.4 (MANE Select); coding-DNA position 1275, one base deleted (C; older notation c.1275delC).
Protein change: p.Cys426fs; shifts the reading frame from cysteine 426.
Molecular consequence: frameshift variant.
Genome position (GRCh38, 1-based): chr9:128,946,029, G deleted on the plus strand (C on the coding strand, the reverse complement: DOLK is on the minus strand); the first of 3 consecutive G bases (chr9:128,946,029-128,946,031); deleting any one gives the same sequence. VCF-style (leftmost placement, unchanged base first): chr9-128946028-AG-A. GRCh37 (hg19) VCF-style: chr9-131708307-AG-A.
Other names: short protein forms C426fs.
Identifiers: ClinVar variation 1043355 (VCV001043355.10), dbSNP rs1401485925, ClinGen allele CA590942973.